The following is an entry in ClinVar:

NM_000180.4(GUCY2D):c.1009G>A (p.Asp337Asn)

Gene: GUCY2D (guanylate cyclase 2D, retinal; plus strand). Cytogenetic location: 17p13.1.
Variant type: single nucleotide variant.
Coding change: c.1009G>A on transcript NM_000180.4 (MANE Select); coding-DNA position 1009, G replaced by A.
Protein change: p.Asp337Asn; replaces aspartic acid 337 with asparagine.
Molecular consequence: missense variant.
Genome position (GRCh38, 1-based): chr17:8,004,139, G>A. VCF-style: chr17-8004139-G-A. GRCh37 (hg19) VCF-style: chr17-7907457-G-A.
Other names: short protein forms D337N.
Identifiers: ClinVar variation 2951713 (VCV002951713.3), dbSNP rs2545418933, ClinGen allele CA397946430.

ClinVar aggregate classification (germline): Uncertain significance (1 of 4 stars; one submission).

Conditions:
Cone-rod dystrophy 6 (CORD6). Also called: Cone dystrophy progressive; RETINAL CONE DYSTROPHY 2. Identifiers: Orphanet 1872, MedGen C1866293, MONDO:0011143, OMIM 601777.
Leber congenital amaurosis 1 (LCA1). Also called: Congenital absence of the rods and cones; Leber's congenital tapetoretinal degeneration; Leber's congenital tapetoretinal dysplasia; AMAUROSIS CONGENITA OF LEBER I; RETINAL BLINDNESS, CONGENITAL. Identifiers: Orphanet 65, MedGen C2931258, MONDO:0008764, OMIM 204000.

Submission:

Labcorp Genetics (formerly Invitae), Labcorp
Classification: Uncertain significance for Leber congenital amaurosis 1; Cone-rod dystrophy 6. Last evaluated: 2023-09-08. Review status: criteria provided, single submitter. Criteria: Invitae Variant Classification Sherloc (09022015). Collection method: clinical testing. Allele origin: germline.
Comment: This sequence change replaces aspartic acid, which is acidic and polar, with asparagine, which is neutral and polar, at codon 337 of the GUCY2D protein (p.Asp337Asn). This variant is not present in population databases (gnomAD no frequency). This variant has not been reported in the literature in individuals affected with GUCY2D-related conditions. Advanced modeling of protein sequence and biophysical properties (such as structural, functional, and spatial information, amino acid conservation, physicochemical variation, residue mobility, and thermodynamic stability) performed at Invitae indicates that this missense variant is not expected to disrupt GUCY2D protein function. In summary, the available evidence is currently insufficient to determine the role of this variant in disease. Therefore, it has been classified as a Variant of Uncertain Significance.